The following is an entry in ClinVar:

ClinVar aggregate classification (germline): Conflicting classifications of pathogenicity. Review status: criteria provided, conflicting classifications (1 of 4 stars). 4 submissions from 4 submitters: Uncertain significance (3); Likely benign (1). Last evaluated 2026-01-05.

Conditions:
Cardiovascular phenotype. Identifiers: MedGen CN230736.
Noonan syndrome (NS). Also called: Noonan's syndrome. Identifiers: Orphanet 648, MedGen C0028326, MeSH D009634, MONDO:0018997. Disease mechanism: gain of function.
RASopathy. Also called: rasopathies; Noonan spectrum disorder. Identifiers: Orphanet 536391, MedGen C5555857, MONDO:0021060.

Allele frequency attached by ClinVar (database versions not stated): gnomAD exomes below 0.00001 and 0.00002; TOPMed 0.00002.
gnomAD v4.1: 7 of 1,614,148 alleles (0.00043%); highest among the groups gnomAD compares: Admixed American, 0.0067%; no homozygotes.

Submissions (4):

Labcorp Genetics (formerly Invitae), Labcorp
Classification: Likely benign for RASopathy. Last evaluated: 2026-01-05. Review status: criteria provided, single submitter. Criteria: Invitae Variant Classification Sherloc (09022015). Collection method: clinical testing. Allele origin: germline.

GeneDx
Classification: Uncertain significance. Last evaluated: 2025-02-05. Review status: criteria provided, single submitter. Criteria: GeneDx Variant Classification Process June 2021. Collection method: clinical testing. Allele origin: germline. Affected: yes.
Comment: Has not been previously published as pathogenic or benign to our knowledge; Not observed at significant frequency in large population cohorts (gnomAD); Missense variants in this gene are a common cause of disease and they are underrepresented in the general population; In silico analysis indicates that this missense variant does not alter protein structure/function

Ambry Genetics
Classification: Uncertain significance for Cardiovascular phenotype. Last evaluated: 2024-08-15. Review status: criteria provided, single submitter. Criteria: Ambry Variant Classification Scheme 2023. Collection method: clinical testing. Allele origin: germline.

Illumina Laboratory Services, Illumina
Classification: Uncertain significance for Noonan syndrome. Last evaluated: 2019-12-05. Review status: criteria provided, single submitter. Criteria: ICSLVariantClassificationCriteria RUGD 01 April 2020. Collection method: clinical testing. Allele origin: unknown.
Comment: The RAF1 c.917C>T (p.Ser306Leu) variant is a missense variant. A literature search was performed for the gene, cDNA change, and amino acid change. No publications were found based on this search. This variant is reported at a frequency of 0.000116 in the Latino population of the Genome Aggregation Database. Noonan syndrome is associated with variable expressivity and mild expression can be overlooked. Based on the limited evidence, the p.Ser306Leu variant is classified as a variant of unknown significance for Noonan syndrome.

NM_002880.4(RAF1):c.917C>T (p.Ser306Leu)

Gene: RAF1 (Raf-1 proto-oncogene, serine/threonine kinase; minus strand). Cytogenetic location: 3p25.2.
Variant type: single nucleotide variant.
Coding change: c.917C>T on transcript NM_002880.4 (MANE Select); coding-DNA position 917, C replaced by T.
Protein change: p.Ser306Leu; replaces serine 306 with leucine.
Molecular consequence: missense variant. On other transcripts: non-coding transcript variant (3).
Genome position (GRCh38, 1-based): chr3:12,600,225, G>A on the plus strand (C>T on the coding strand, the complement: RAF1 is on the minus strand). VCF-style: chr3-12600225-G-A. GRCh37 (hg19) VCF-style: chr3-12641724-G-A.
Other names: c.977C>T, p.Ser326Leu (NM_001354689.3); c.917C>T, p.Ser306Leu (NM_001354690.3); c.674C>T, p.Ser225Leu (NM_001354691.3, NM_001354692.3); c.818C>T, p.Ser273Leu (NM_001354693.3); c.734C>T, p.Ser245Leu (NM_001354694.3); c.575C>T, p.Ser192Leu (NM_001354695.3); short protein forms S306L, S192L, S225L, S245L, S326L, S273L.
Identifiers: ClinVar variation 40610 (VCV000040610.22), dbSNP rs886041231, ClinGen allele CA10602363.